The following is an entry in ClinVar:

ClinVar aggregate classification (germline): Pathogenic. Review status: criteria provided, multiple submitters, no conflicts (2 of 4 stars). 2 submissions from 2 submitters: Pathogenic (2). Last evaluated 2025-07-28.

Conditions:
Familial hemiplegic migraine. Identifiers: MedGen C0338484, MONDO:0000700.
Migraine, familial hemiplegic, 2. Identifiers: Orphanet 569, MedGen C1865322, MONDO:0011232, OMIM 602481.

Submissions (2):

Labcorp Genetics (formerly Invitae), Labcorp
Classification: Pathogenic for Familial hemiplegic migraine. Last evaluated: 2025-07-28. Review status: criteria provided, single submitter. Criteria: Invitae Variant Classification Sherloc (09022015). Collection method: clinical testing. Allele origin: germline.
Comment: This sequence change replaces glycine, which is neutral and non-polar, with glutamic acid, which is acidic and polar, at codon 855 of the ATP1A2 protein (p.Gly855Glu). This variant is not present in population databases (gnomAD no frequency). This missense change has been observed in individual(s) with ATP1A2-related conditions (PMID: 37142513; internal data). In at least one individual the variant was observed to be de novo. It has also been observed to segregate with disease in related individuals. ClinVar contains an entry for this variant (Variation ID: 68985). An algorithm developed to predict the effect of missense changes on protein structure and function (PolyPhen-2) suggests that this variant is likely to be disruptive. This variant disrupts the p.Gly855 amino acid residue in ATP1A2. Other variant(s) that disrupt this residue have been determined to be pathogenic (PMID: 19874388, 20837964, 24921013). This suggests that this residue is clinically significant, and that variants that disrupt this residue are likely to be disease-causing. For these reasons, this variant has been classified as Pathogenic.

Victorian Clinical Genetics Services, Murdoch Childrens Research Institute
Classification: Pathogenic for Migraine, familial hemiplegic, 2. Last evaluated: 2022-02-02. Review status: criteria provided, single submitter. Criteria: ACMG Guidelines, 2015. Collection method: clinical testing. Allele origin: germline. Inheritance: Autosomal dominant inheritance. Affected: yes.
Comment: Based on the classification scheme VCGS_Germline_v1.3.4, this variant is classified as Pathogenic. Following criteria are met: 0102 - Loss of function is a known mechanism of disease in this gene and is associated with alternating hemiplegia of childhood 1 (MIM#104290), familial basilar migraine (MIM#602481) and familial hemiplegic migraine, 2 (MIM#602481). (I) 0107 - This gene is associated with autosomal dominant disease. (I) 0112 - The condition associated with this gene has incomplete penetrance. Incomplete penetrance has been reported for familial hemiplegic migraine, 2 (MIM#602481) (OMIM). (I) 0200 - Variant is predicted to result in a missense amino acid change from glycine to glutamic acid. It should be noted that this variant also affects a splice region. (I) 0251 - This variant is heterozygous. (I) 0301 - Variant is absent from gnomAD (both v2 and v3). (SP) 0501 - Missense variant consistently predicted to be damaging by multiple in silico tools and highly conserved with a moderate amino acid change. Additionally, in silico predictions for abnormal splicing are conflicting. (SP) 0603 - Missense variant in a region that is highly intolerant to missense variation (high constraint region in DECIPHER). (SP) 0702 - Other missense variants comparable to the one identified in this case have strong previous evidence for pathogenicity. The p.(Gly855Arg) variant has been classified as pathogenic by clinical diagnostic laboratories and has been reported in individuals in hemiplegic migraine, febrile seizures, epilepsy or intellectual or developmental disabilities while the p.(Gly855Val) variant has been reported in one individual with hemiplegic migraine without epilepsy (ClinVar; PMIDs: 19874388, 26544041, 20837964). (SP) 0803 - This variant has limited previous evidence of pathogenicity in an unrelated individual. This variant has been classified as likely pathogenic by a clinical diagnostic laboratory (ClinVar). (SP) 0905 - No published segregation evidence has been identified for this variant. (I) 1007 - No published functional evidence has been identified for this variant. (I) 1208 - Inheritance information for this variant is not currently available in this individual. (I) Legend: (SP) - Supporting pathogenic, (I) - Information, (SB) - Supporting benign

Literature cited by the submitters: PubMed 37142513 (cited by Labcorp Genetics (formerly Invitae), Labcorp); PubMed 19874388 (cited by Labcorp Genetics (formerly Invitae), Labcorp and Victorian Clinical Genetics Services, Murdoch Childrens Research Institute); PubMed 20837964 (cited by Labcorp Genetics (formerly Invitae), Labcorp and Victorian Clinical Genetics Services, Murdoch Childrens Research Institute); PubMed 24921013 (cited by Labcorp Genetics (formerly Invitae), Labcorp); PubMed 26544041 (cited by Victorian Clinical Genetics Services, Murdoch Childrens Research Institute).

NM_000702.4(ATP1A2):c.2564G>A (p.Gly855Glu)

Gene: ATP1A2 (ATPase Na+/K+ transporting subunit alpha 2; plus strand). Cytogenetic location: 1q23.2.
Variant type: single nucleotide variant.
Coding change: c.2564G>A on transcript NM_000702.4 (MANE Select); coding-DNA position 2564, G replaced by A.
Protein change: p.Gly855Glu; replaces glycine 855 with glutamic acid.
Molecular consequence: missense variant.
Genome position (GRCh38, 1-based): chr1:160,136,570, G>A. VCF-style: chr1-160136570-G-A. GRCh37 (hg19) VCF-style: chr1-160106360-G-A.
Other names: short protein forms G855E.
Identifiers: ClinVar variation 68985 (VCV000068985.9), dbSNP rs149144720, ClinGen allele CA31501896.